The following is an entry in ClinVar:

NM_001134407.3(GRIN2A):c.1281G>C (p.Glu427Asp)

Gene: GRIN2A (glutamate ionotropic receptor NMDA type subunit 2A; minus strand). Cytogenetic location: 16p13.2.
Variant type: single nucleotide variant.
Coding change: c.1281G>C on transcript NM_001134407.3 (MANE Select); coding-DNA position 1281, G replaced by C.
Protein change: p.Glu427Asp; replaces glutamic acid 427 with aspartic acid.
Molecular consequence: missense variant.
Genome position (GRCh38, 1-based): chr16:9,849,803, C>G on the plus strand (G>C on the coding strand, the complement: GRIN2A is on the minus strand). VCF-style: chr16-9849803-C-G. GRCh37 (hg19) VCF-style: chr16-9943660-C-G.
Other names: c.1281G>C, p.Glu427Asp (NM_000833.5, NM_001134408.2); short protein forms E427D.
Identifiers: ClinVar variation 2762722 (VCV002762722.3), dbSNP rs2542861432, ClinGen allele CA394801016.

ClinVar aggregate classification (germline): Uncertain significance (1 of 4 stars; one submission).

Conditions:
Landau-Kleffner syndrome (FESD). Also called: EPILEPSY, FOCAL, WITH SPEECH DISORDER AND WITH OR WITHOUT MENTAL RETARDATION; APHASIA, ACQUIRED, WITH EPILEPSY. Identifiers: Orphanet 1945, Orphanet 725, Orphanet 98818, MedGen C0282512, MONDO:0009509, OMIM 245570.

gnomAD v4.1: 3 of 1,614,112 alleles (0.00019%); highest among the groups gnomAD compares: Non-Finnish European, 0.00017%; no homozygotes.

Submission:

Labcorp Genetics (formerly Invitae), Labcorp
Classification: Uncertain significance for Landau-Kleffner syndrome. Last evaluated: 2023-09-22. Review status: criteria provided, single submitter. Criteria: Invitae Variant Classification Sherloc (09022015). Collection method: clinical testing. Allele origin: germline.
Comment: This variant has not been reported in the literature in individuals affected with GRIN2A-related conditions. This variant is not present in population databases (gnomAD no frequency). This sequence change replaces glutamic acid, which is acidic and polar, with aspartic acid, which is acidic and polar, at codon 427 of the GRIN2A protein (p.Glu427Asp). Advanced modeling of protein sequence and biophysical properties (such as structural, functional, and spatial information, amino acid conservation, physicochemical variation, residue mobility, and thermodynamic stability) performed at Invitae indicates that this missense variant is not expected to disrupt GRIN2A protein function. In summary, the available evidence is currently insufficient to determine the role of this variant in disease. Therefore, it has been classified as a Variant of Uncertain Significance.